The following is an entry in ClinVar:

ClinVar aggregate classification (germline): Likely pathogenic (1 of 4 stars; one submission).

Conditions:
LAMA2-related muscular dystrophy (LAMA2-RD). Also called: Laminin alpha 2-related dystrophy. Identifiers: MedGen C5679788, MONDO:0100228.

Submission:

Myriad Genetics, Inc.
Classification: Likely pathogenic for LAMA2-related muscular dystrophy. Last evaluated: 2019-06-06. Review status: criteria provided, single submitter. Criteria: Myriad Autosomal Dominant, Autosomal Recessive and X-Linked Classification Criteria (2023). Collection method: clinical testing. Allele origin: unknown.
Comment: NM_000426.3(LAMA2):c.1831G>T(E611*) is expected to be pathogenic in the context of LAMA2-related muscular dystrophy. This variant is predicted to lead to an abnormal or absent protein product due to the creation of a premature termination codon in LAMA2, a gene where loss-of-function variants are known to be pathogenic. Please note: this variant was assessed in the context of healthy population screening.

NM_000426.4(LAMA2):c.1831G>T (p.Glu611Ter)

Gene: LAMA2 (laminin subunit alpha 2; plus strand). Cytogenetic location: 6q22.33.
Variant type: single nucleotide variant.
Coding change: c.1831G>T on transcript NM_000426.4 (MANE Select); coding-DNA position 1831, G replaced by T.
Protein change: p.Glu611Ter; replaces glutamic acid 611 with a stop codon.
Molecular consequence: nonsense.
Genome position (GRCh38, 1-based): chr6:129,250,160, G>T. VCF-style: chr6-129250160-G-T. GRCh37 (hg19) VCF-style: chr6-129571305-G-T.
Other names: c.1831G>T, p.Glu611Ter (NM_001079823.2); short protein forms E611*.
Identifiers: ClinVar variation 984073 (VCV000984073.4), dbSNP rs1786068382, ClinGen allele CA365609563.
Genomic context (GRCh38, chr6:129,250,160, plus strand): 5'-TCTGTCTTGTAGCTCCCAGCAGTAGGAGGACAGTTGACATTTACCATATCATATGACCTT[G>T]AAGAAGAGGAAGAAGATACAGAACGTGTTCTCCAGCTTATGATTATCTTAGAGGTAGAGT-3'